The following is an entry in ClinVar:

NM_000318.3(PEX2):c.304C>A (p.Gln102Lys)

Gene: PEX2 (peroxisomal biogenesis factor 2; minus strand). Cytogenetic location: 8q21.13.
Variant type: single nucleotide variant.
Coding change: c.304C>A on transcript NM_000318.3 (MANE Select); coding-DNA position 304, C replaced by A.
Protein change: p.Gln102Lys; replaces glutamine 102 with lysine.
Molecular consequence: missense variant.
Genome position (GRCh38, 1-based): chr8:76,983,875, G>T on the plus strand (C>A on the coding strand, the complement: PEX2 is on the minus strand). VCF-style: chr8-76983875-G-T. GRCh37 (hg19) VCF-style: chr8-77896111-G-T.
Other names: c.304C>A, p.Gln102Lys (NM_001079867.2, NM_001172086.2, NM_001172087.2); short protein forms Q102K.
Identifiers: ClinVar variation 598165 (VCV000598165.14), dbSNP rs200065382, ClinGen allele CA4788737.

ClinVar aggregate classification (germline): Uncertain significance. Review status: criteria provided, multiple submitters, no conflicts (2 of 4 stars). 6 submissions from 6 submitters: Uncertain significance (4). 2 of the submissions do not count toward it. Last evaluated 2025-01-06.

Conditions:
Inborn genetic diseases. Identifiers: MedGen C0950123, MeSH D030342.
Peroxisome biogenesis disorder 5A (Zellweger) (PBD5A). Identifiers: Orphanet 912, MedGen C3553940, MONDO:0013932, OMIM 614866.
PEX2-related disorder. Also called: PEX2-related condition.
Zellweger spectrum disorders (ZS). Also called: Zellweger Spectrum Disorder; Zellweger Spectrum; Zellweger Spectrum Disorder (ZSD); Zellweger syndrome. Identifiers: Orphanet 912, MedGen C0043459, MONDO:0019609.

Allele frequency attached by ClinVar (database versions not stated): ESP Exome Variant Server 0.00008; ExAC 0.00015; gnomAD exomes 0.00015; TOPMed 0.00020; gnomAD 0.00030.
gnomAD v4.1: 191 of 1,613,894 alleles (0.012%); highest among the groups gnomAD compares: Admixed American, 0.082%; no homozygotes.

Submissions (6):

Labcorp Genetics (formerly Invitae), Labcorp
Classification: Uncertain significance for Peroxisome biogenesis disorder 5A (Zellweger). Last evaluated: 2025-01-06. Review status: criteria provided, single submitter. Criteria: Invitae Variant Classification Sherloc (09022015). Collection method: clinical testing. Allele origin: germline.
Comment: This sequence change replaces glutamine, which is neutral and polar, with lysine, which is basic and polar, at codon 102 of the PEX2 protein (p.Gln102Lys). This variant is present in population databases (rs200065382, gnomAD 0.05%). This variant has not been reported in the literature in individuals affected with PEX2-related conditions. ClinVar contains an entry for this variant (Variation ID: 598165). Invitae Evidence Modeling of protein sequence and biophysical properties (such as structural, functional, and spatial information, amino acid conservation, physicochemical variation, residue mobility, and thermodynamic stability) indicates that this missense variant is not expected to disrupt PEX2 protein function with a negative predictive value of 80%. In summary, the available evidence is currently insufficient to determine the role of this variant in disease. Therefore, it has been classified as a Variant of Uncertain Significance.

Blueprint Genetics
Classification: Uncertain significance. Last evaluated: 2024-11-05. Review status: criteria provided, single submitter. Criteria: ACMG Guidelines, 2015. Collection method: clinical testing. Allele origin: germline.

Ambry Genetics
Classification: Uncertain significance for Inborn genetic diseases. Last evaluated: 2023-01-17. Review status: criteria provided, single submitter. Criteria: Ambry Variant Classification Scheme 2023. Collection method: clinical testing. Allele origin: germline.

Eurofins Ntd Llc (ga)
Classification: Uncertain significance. Last evaluated: 2018-07-25. Review status: criteria provided, single submitter. Criteria: EGL ClinVar v180209 classification definitions. Collection method: clinical testing. Allele origin: germline. Observed: 1 variant allele, 1 heterozygote.

PreventionGenetics, part of Exact Sciences
Classification: Uncertain significance for PEX2-related condition. Last evaluated: 2024-09-04. Review status: no assertion criteria provided. Collection method: clinical testing. Allele origin: germline. Not counted in ClinVar's aggregate classification.
Comment: The PEX2 c.304C>A variant is predicted to result in the amino acid substitution p.Gln102Lys. To our knowledge, this variant has not been reported in the literature. This variant is reported in 0.045% of alleles in individuals of Latino descent in gnomAD. At this time, the clinical significance of this variant is uncertain due to the absence of conclusive functional and genetic evidence.

Natera, Inc.
Classification: Uncertain significance for Zellweger syndrome. Last evaluated: 2019-10-28. Review status: no assertion criteria provided. Collection method: clinical testing. Allele origin: germline. Not counted in ClinVar's aggregate classification.